The following is an entry in ClinVar:

ClinVar aggregate classification (germline): Uncertain significance (1 of 4 stars; one submission).

gnomAD v4.1: 20 of 1,612,668 alleles (0.0012%); highest among the groups gnomAD compares: Admixed American, 0.022%; no homozygotes.

Submission:

Labcorp Genetics (formerly Invitae), Labcorp
Classification: Uncertain significance. Last evaluated: 2024-02-05. Review status: criteria provided, single submitter. Criteria: Invitae Variant Classification Sherloc (09022015). Collection method: clinical testing. Allele origin: germline.
Comment: This sequence change affects codon 532 of the FOCAD mRNA. It is a 'silent' change, meaning that it does not change the encoded amino acid sequence of the FOCAD protein. This variant is present in population databases (no rsID available, gnomAD 0.02%). This variant has not been reported in the literature in individuals affected with FOCAD-related conditions. Experimental studies and prediction algorithms are not available or were not evaluated, and the effect of this variant on mRNA splicing is currently unknown. In summary, the available evidence is currently insufficient to determine the role of this variant in disease. Therefore, it has been classified as a Variant of Uncertain Significance.

NM_001375567.1(FOCAD):c.1596A>G (p.Leu532=)

Gene: FOCAD (focadhesin; plus strand). Cytogenetic location: 9p21.3.
Variant type: single nucleotide variant.
Coding change: c.1596A>G on transcript NM_001375567.1 (MANE Select); coding-DNA position 1596, A replaced by G.
Protein change: p.Leu532=; no amino-acid change (leucine 532 retained).
Molecular consequence: synonymous variant.
Genome position (GRCh38, 1-based): chr9:20,820,359, A>G. VCF-style: chr9-20820359-A-G. GRCh37 (hg19) VCF-style: chr9-20820358-A-G.
Other names: c.1491A>G, p.Leu497= (NM_001375568.1, NM_001375570.1); c.1596A>G, p.Leu532= (NM_017794.5).
Identifiers: ClinVar variation 3604218 (VCV003604218.2).